The following is an entry in ClinVar:

NM_004304.5(ALK):c.570G>A (p.Met190Ile)

Gene: ALK (ALK receptor tyrosine kinase; minus strand). Cytogenetic location: 2p23.1.
Variant type: single nucleotide variant.
Coding change: c.570G>A on transcript NM_004304.5 (MANE Select); coding-DNA position 570, G replaced by A.
Protein change: p.Met190Ile; replaces methionine 190 with isoleucine.
Molecular consequence: missense variant.
Genome position (GRCh38, 1-based): chr2:29,920,090, C>T on the plus strand (G>A on the coding strand, the complement: ALK is on the minus strand). VCF-style: chr2-29920090-C-T. GRCh37 (hg19) VCF-style: chr2-30142956-C-T.
Other names: short protein forms M190I.
Identifiers: ClinVar variation 3640672 (VCV003640672.2).
Genomic context (GRCh38, chr2:29,920,090, plus strand): 5'-GGCGCGAATTGCCGCGGACAGCCTTCCCTCTCTGCCCACTTCCGACGCCTTCTTCTCGGG[C>T]ATCAGGCGGATCCTCAGTCGCCCTTCGCCTTGGCGAATCCACCAACTGAACAGCTCGCTG-3'
Protein context (NP_004295.2, residues 180-200): QGEGRLRIRL[Met190Ile]PEKKASEVGR

ClinVar aggregate classification (germline): Uncertain significance (1 of 4 stars; one submission).

Conditions:
Neuroblastoma, susceptibility to, 3. Also called: ALK-Related Neuroblastic Tumor Susceptibility. Identifiers: Orphanet 635, MedGen C2751681, MONDO:0013083, OMIM 613014.

Submission:

Labcorp Genetics (formerly Invitae), Labcorp
Classification: Uncertain significance for Neuroblastoma, susceptibility to, 3. Last evaluated: 2024-02-14. Review status: criteria provided, single submitter. Criteria: Invitae Variant Classification Sherloc (09022015). Collection method: clinical testing. Allele origin: germline.
Comment: This sequence change replaces methionine, which is neutral and non-polar, with isoleucine, which is neutral and non-polar, at codon 190 of the ALK protein (p.Met190Ile). This variant is not present in population databases (gnomAD no frequency). This variant has not been reported in the literature in individuals affected with ALK-related conditions. An algorithm developed to predict the effect of missense changes on protein structure and function (PolyPhen-2) suggests that this variant is likely to be disruptive. In summary, the available evidence is currently insufficient to determine the role of this variant in disease. Therefore, it has been classified as a Variant of Uncertain Significance.